The following is an entry in ClinVar:

NM_001372044.2(SHANK3):c.5017G>A (p.Gly1673Arg)

Gene: SHANK3 (SH3 and multiple ankyrin repeat domains 3; plus strand). Cytogenetic location: 22q13.33.
Variant type: single nucleotide variant.
Coding change: c.5017G>A on transcript NM_001372044.2 (MANE Select); coding-DNA position 5017, G replaced by A.
Protein change: p.Gly1673Arg; replaces glycine 1673 with arginine.
Molecular consequence: missense variant.
Genome position (GRCh38, 1-based): chr22:50,730,908, G>A. VCF-style: chr22-50730908-G-A. GRCh37 (hg19) VCF-style: chr22-51169336-G-A.
Other names: c.4792G>A (NM_033517.1); short protein forms G1673R.
Identifiers: ClinVar variation 3603053 (VCV003603053.2).

ClinVar aggregate classification (germline): Likely benign (1 of 4 stars; one submission).

Submission:

GeneDx
Classification: Likely benign. Last evaluated: 2026-01-15. Review status: criteria provided, single submitter. Criteria: GeneDx Variant Classification Process June 2021. Collection method: clinical testing. Allele origin: germline.
Comment: See Variant Classification Assertion Criteria.